The following is an entry in ClinVar:

ClinVar aggregate classification (germline): Uncertain significance. Review status: criteria provided, multiple submitters, no conflicts (2 of 4 stars). 2 submissions from 2 submitters: Uncertain significance (2). Last evaluated 2022-03-23.

Conditions:
Inborn genetic diseases. Identifiers: MedGen C0950123, MeSH D030342.

Allele frequency attached by ClinVar (database versions not stated): ExAC 0.00001; gnomAD exomes 0.00001; gnomAD 0.00002; TOPMed 0.00003.
gnomAD v4.1: 12 of 1,612,830 alleles (0.00074%); no homozygotes.

Submissions (3):

GeneDx
Classification: Uncertain significance. Last evaluated: 2022-03-23. Review status: criteria provided, single submitter. Criteria: GeneDx Variant Classification Process June 2021. Collection method: clinical testing. Allele origin: germline. Affected: yes.
Comment: In silico analysis supports that this missense variant has a deleterious effect on protein structure/function; Has not been previously published as pathogenic or benign to our knowledge

Ambry Genetics
Classification: Uncertain significance for Inborn genetic diseases. Last evaluated: 2021-05-16. Review status: criteria provided, single submitter. Criteria: Ambry Variant Classification Scheme 2023. Collection method: clinical testing. Allele origin: germline.

Dr. Peter K. Rogan Lab, Western University
No classification provided (evidence only). Condition: Ovarian serous cystadenocarcinoma. Review status: no classification provided. Collection method: in vitro. Allele origin: not applicable. Functional consequence: retained intron. Not counted in ClinVar's aggregate classification.

NM_004247.4(EFTUD2):c.1412A>T (p.Asp471Val)

Gene: EFTUD2 (elongation factor Tu GTP binding domain containing 2; minus strand). Cytogenetic location: 17q21.31.
Variant type: single nucleotide variant.
Coding change: c.1412A>T on transcript NM_004247.4 (MANE Select); coding-DNA position 1412, A replaced by T.
Protein change: p.Asp471Val; replaces aspartic acid 471 with valine.
Molecular consequence: missense variant.
Genome position (GRCh38, 1-based): chr17:44,863,656, T>A on the plus strand (A>T on the coding strand, the complement: EFTUD2 is on the minus strand). VCF-style: chr17-44863656-T-A. GRCh37 (hg19) VCF-style: chr17-42941024-T-A.
Other names: NC_000017.10:g.42941024T>A; c.1307A>T, p.Asp436Val (NM_001142605.2); c.1412A>T, p.Asp471Val (NM_001258353.2); c.1382A>T, p.Asp461Val (NM_001258354.2); short protein forms D436V, D461V, D471V.
Identifiers: ClinVar variation 1707057 (VCV001707057.6), dbSNP rs750014204, ClinGen allele CA8607789.